The following is an entry in ClinVar:

NM_001605.3(AARS1):c.1421G>A (p.Arg474Gln)

Gene: AARS1 (alanyl-tRNA synthetase 1; minus strand). Cytogenetic location: 16q22.1.
Variant type: single nucleotide variant.
Coding change: c.1421G>A on transcript NM_001605.3 (MANE Select); coding-DNA position 1421, G replaced by A.
Protein change: p.Arg474Gln; replaces arginine 474 with glutamine.
Molecular consequence: missense variant.
Genome position (GRCh38, 1-based): chr16:70,265,029, C>T on the plus strand (G>A on the coding strand, the complement: AARS1 is on the minus strand). VCF-style: chr16-70265029-C-T. GRCh37 (hg19) VCF-style: chr16-70298932-C-T.
Other names: short protein forms R474Q.
Identifiers: ClinVar variation 1682228 (VCV001682228.6), dbSNP rs202036345, ClinGen allele CA8140819.
Genomic context (GRCh38, chr16:70,265,029, plus strand): 5'-CTGGAGTCCAAATGGTAATTGTACTTTGGGGAATCATCTGTGACCTCCAGACCCCGTGCC[C>T]GGAGCTCTTCGATAGCGTAAATGTCCAGCATAATGAGGTCTTCCCCACCAGCTCCCTTGC-3'
Protein context (NP_001596.2, residues 464-484): MLDIYAIEEL[Arg474Gln]ARGLEVTDDS

ClinVar aggregate classification (germline): Uncertain significance (1 of 4 stars; one submission).

Conditions:
Charcot-Marie-Tooth disease type 2. Also called: Charcot-Marie-Tooth type 2. Identifiers: Orphanet 64746, MedGen C0270914, MONDO:0018993.

Allele frequency attached by ClinVar (database versions not stated): gnomAD exomes 0.00001; gnomAD 0.00003 and 0.00004; ExAC 0.00002; TOPMed 0.00003; 1000 Genomes Project 0.00020; 1000 Genomes Project 30x 0.00016.
gnomAD v4.1: 34 of 1,614,112 alleles (0.0021%); highest among the groups gnomAD compares: East Asian, 0.058%; no homozygotes.

Submission:

Labcorp Genetics (formerly Invitae), Labcorp
Classification: Uncertain significance for Charcot-Marie-Tooth disease type 2. Last evaluated: 2025-12-21. Review status: criteria provided, single submitter. Criteria: Invitae Variant Classification Sherloc (09022015). Collection method: clinical testing. Allele origin: germline.
Comment: This sequence change replaces arginine, which is basic and polar, with glutamine, which is neutral and polar, at codon 474 of the AARS protein (p.Arg474Gln). The frequency data for this variant in the population databases is considered unreliable, as metrics indicate poor data quality at this position in the gnomAD database. This missense change has been observed in individual(s) with clinical features of Charcot-Marie-Tooth disease (internal data). ClinVar contains an entry for this variant (Variation ID: 1682228). An algorithm developed to predict the effect of missense changes on protein structure and function (PolyPhen-2) suggests that this variant is likely to be disruptive. In summary, the available evidence is currently insufficient to determine the role of this variant in disease. Therefore, it has been classified as a Variant of Uncertain Significance.